The following is an entry in ClinVar:

ClinVar aggregate classification (germline): Pathogenic (1 of 4 stars; one submission).

Submission:

CeGaT Center for Human Genetics Tuebingen
Classification: Pathogenic. Last evaluated: 2026-08-01. Review status: criteria provided, single submitter. Criteria: CeGaT Center For Human Genetics Tuebingen Variant Classification Criteria Version 2. Collection method: clinical testing. Allele origin: germline. Affected: yes. Observed: 1 variant allele.
Comment: PHF21A: PVS1, PM2

NM_001352027.3(PHF21A):c.625_631delinsTCAAAGTACCTGCTATCAGGTATCAAAGTA (p.Thr209fs)

Gene: PHF21A (PHD finger protein 21A; minus strand). Cytogenetic location: 11p11.2.
Variant type: Indel.
Coding change: c.625_631delinsTCAAAGTACCTGCTATCAGGTATCAAAGTA on transcript NM_001352027.3 (MANE Select); coding-DNA positions 625 to 631, ACACCTC replaced by TCAAAGTACCTGCTATCAGGTATCAAAGTA.
Protein change: p.Thr209fs; shifts the reading frame from threonine 209.
Molecular consequence: frameshift variant. On other transcripts: non-coding transcript variant (2).
Genome position (GRCh38, 1-based): chr11:45,969,886-45,969,892, GAGGTGT replaced by TACTTTGATACCTGATAGCAGGTACTTTGA on the plus strand (ACACCTC replaced by TCAAAGTACCTGCTATCAGGTATCAAAGTA on the coding strand, the reverse complement: PHF21A is on the minus strand). GRCh37 (hg19): chr11:45,991,437-45,991,443.
Other names: c.622_628delinsTCAAAGTACCTGCTATCAGGTATCAAAGTA, p.Thr208fs (NM_001352032.3, NM_001441171.1, NM_001101802.3 and 2 more transcripts); c.646_652delinsTCAAAGTACCTGCTATCAGGTATCAAAGTA, p.Thr216fs (NM_001441167.1, NM_001441168.1); c.643_649delinsTCAAAGTACCTGCTATCAGGTATCAAAGTA, p.Thr215fs (NM_001441169.1); c.625_631delinsTCAAAGTACCTGCTATCAGGTATCAAAGTA, p.Thr209fs (NM_001441170.1, NM_016621.5, NM_001352025.3 and 3 more transcripts); c.373_379delinsTCAAAGTACCTGCTATCAGGTATCAAAGTA, p.Thr125fs (NM_001441172.1); short protein forms T125fs, T208fs, T209fs, T215fs, T216fs.
Identifiers: ClinVar variation 5040759 (VCV005040759.1).
Genomic context (GRCh38, chr11:45,969,886, plus strand): 5'-AGTTTGGACGTGGAGTGAGTCTAGGAGGGGGGATAAACTGTGGTACTTTGATGGGCTGAG[GAGGTGT>TACTTTGATACCTGATAGCAGGTACTTTGA]TGCCTGAACCTGCTAAAAAATGAGGAAGATAAATAAACCAGAGAGAACAATTACTCTTCA-3'